The following is an entry in ClinVar:

NM_002430.3(MN1):c.1944C>A (p.Gly648=)

Gene: MN1 (MN1 proto-oncogene, transcriptional regulator; minus strand). Cytogenetic location: 22q12.1.
Variant type: single nucleotide variant.
Coding change: c.1944C>A on transcript NM_002430.3 (MANE Select); coding-DNA position 1944, C replaced by A.
Protein change: p.Gly648=; no amino-acid change (glycine 648 retained).
Molecular consequence: synonymous variant.
Genome position (GRCh38, 1-based): chr22:27,798,600, G>T on the plus strand (C>A on the coding strand, the complement: MN1 is on the minus strand). VCF-style: chr22-27798600-G-T. GRCh37 (hg19) VCF-style: chr22-28194588-G-T.
Identifiers: ClinVar variation 3051928 (VCV003051928.2), dbSNP rs768923744, ClinGen allele CA10166317.
Genomic context (GRCh38, chr22:27,798,600, plus strand): 5'-CGGAGGAGGGGGCGCCAGGCTGGGGTCGTGCGGGCCACAGTCAGCGGGCAGACCCGAGCC[G>T]CCCATCCTACGGGGCAGCAGGTCTCCGGGCGGCGGATGCGGACCTGAGAACCACGCGCTC-3'
Protein context (NP_002421.3, residues 638-658): PPGDLLPRRM[Gly648=]GSGLPADCGP

ClinVar aggregate classification (germline): Likely benign (0 of 4 stars; one submission).

Conditions:
MN1-related disorder. Also called: MN1-related condition.

Allele frequency attached by ClinVar (database versions not stated): ExAC 0.00005.

Submission:

PreventionGenetics, part of Exact Sciences
Classification: Likely benign for MN1-related condition. Last evaluated: 2023-01-31. Review status: no assertion criteria provided. Collection method: clinical testing. Allele origin: germline.
Comment: This variant is classified as likely benign based on ACMG/AMP sequence variant interpretation guidelines (Richards et al. 2015 PMID: 25741868, with internal and published modifications).